The following is an entry in ClinVar:

NM_201384.3(PLEC):c.12284C>T (p.Thr4095Met)

Gene: PLEC (plectin; minus strand). Cytogenetic location: 8q24.3.
Variant type: single nucleotide variant.
Coding change: c.12284C>T on transcript NM_201384.3 (MANE Select); coding-DNA position 12284, C replaced by T.
Protein change: p.Thr4095Met; replaces threonine 4095 with methionine.
Molecular consequence: missense variant.
Genome position (GRCh38, 1-based): chr8:143,917,537, G>A on the plus strand (C>T on the coding strand, the complement: PLEC is on the minus strand). VCF-style: chr8-143917537-G-A. GRCh37 (hg19) VCF-style: chr8-144991705-G-A.
Other names: c.12365C>T, p.Thr4122Met (NM_000445.5); c.12242C>T, p.Thr4081Met (NM_201378.4); c.12218C>T, p.Thr4073Met (NM_201379.3); c.12695C>T, p.Thr4232Met (NM_201380.4); c.12188C>T, p.Thr4063Met (NM_201381.3); c.12284C>T, p.Thr4095Met (NM_201382.4); c.12296C>T, p.Thr4099Met (NM_201383.3); c.12365C>T (NM_000445.3); short protein forms T4095M, T4099M, T4073M, T4081M, T4122M, T4063M, T4232M.
Identifiers: ClinVar variation 666157 (VCV000666157.7), dbSNP rs1464501088, ClinGen allele CA372484661.

ClinVar aggregate classification (germline): Uncertain significance. Review status: criteria provided, multiple submitters, no conflicts (2 of 4 stars). 2 submissions from 2 submitters: Uncertain significance (2). Last evaluated 2025-05-30.

Conditions:
Inborn genetic diseases. Identifiers: MedGen C0950123, MeSH D030342.
Epidermolysis bullosa simplex, Ogna type (EBS5A). Also called: Pidermolysis bullosa simplex 5A, Ogna type; EPIDERMOLYSIS BULLOSA SIMPLEX 5A, OGNA TYPE. Identifiers: Orphanet 79401, MedGen C0432317, MONDO:0007555, OMIM 131950.
Autosomal recessive limb-girdle muscular dystrophy type 2Q (LGMDR17). Also called: MUSCULAR DYSTROPHY, LIMB-GIRDLE, AUTOSOMAL RECESSIVE 17. Identifiers: Orphanet 254361, MedGen C3150989, MONDO:0013390, OMIM 613723.
Epidermolysis bullosa simplex with nail dystrophy (EBS5D). Identifiers: MedGen C4225309, MONDO:0014661, OMIM 616487.
Epidermolysis bullosa simplex 5B, with muscular dystrophy (EBS5B). Also called: Epidermolysis bullosa simplex with muscular dystrophy; EPIDERMOLYSIS BULLOSA SIMPLEX AND LIMB-GIRDLE MUSCULAR DYSTROPHY. Identifiers: Orphanet 257, MedGen C2931072, MONDO:0009181, OMIM 226670.
Epidermolysis bullosa simplex 5C, with pyloric atresia (EBS5C). Also called: PLEC-Related Epidermolysis Bullosa with Pyloric Atresia; PLEC1-Related Epidermolysis Bullosa with Pyloric Atresia; Epidermolysis bullosa simplex with pyloric atresia. Identifiers: Orphanet 158684, MedGen C2677349, MONDO:0012807, OMIM 612138.

Allele frequency attached by ClinVar (database versions not stated): gnomAD 0.00001; gnomAD exomes 0.00001 and 0.00002; TOPMed 0.00002.
gnomAD v4.1: 38 of 1,613,840 alleles (0.0024%); highest among the groups gnomAD compares: African/African-American, 0.004%; no homozygotes.

Submissions (2):

Ambry Genetics
Classification: Uncertain significance for Inborn genetic diseases. Last evaluated: 2025-05-30. Review status: criteria provided, single submitter. Criteria: Ambry Variant Classification Scheme 2023. Collection method: clinical testing. Allele origin: germline.

Labcorp Genetics (formerly Invitae), Labcorp
Classification: Uncertain significance for Autosomal recessive limb-girdle muscular dystrophy type 2Q; Epidermolysis bullosa simplex, Ogna type; Epidermolysis bullosa simplex with nail dystrophy; Epidermolysis bullosa simplex 5C, with pyloric atresia; Epidermolysis bullosa simplex 5B, with muscular dystrophy. Last evaluated: 2024-11-22. Review status: criteria provided, single submitter. Criteria: Invitae Variant Classification Sherloc (09022015). Collection method: clinical testing. Allele origin: germline.
Comment: This sequence change replaces threonine, which is neutral and polar, with methionine, which is neutral and non-polar, at codon 4122 of the PLEC protein (p.Thr4122Met). This variant is present in population databases (no rsID available, gnomAD 0.007%). This variant has not been reported in the literature in individuals affected with PLEC-related conditions. ClinVar contains an entry for this variant (Variation ID: 666157). Invitae Evidence Modeling of protein sequence and biophysical properties (such as structural, functional, and spatial information, amino acid conservation, physicochemical variation, residue mobility, and thermodynamic stability) indicates that this missense variant is not expected to disrupt PLEC protein function with a negative predictive value of 80%. In summary, the available evidence is currently insufficient to determine the role of this variant in disease. Therefore, it has been classified as a Variant of Uncertain Significance.